The following continues an entry in ClinVar:

NM_006005.3(WFS1):c.1597C>T (p.Pro533Ser)

Gene: WFS1. ClinVar aggregate classification (germline): Conflicting classifications of pathogenicity. Pathogenic (1); Likely pathogenic (4); Uncertain significance (12); Benign (1).

Submissions 15 to 19 of 19:

Laboratory for Molecular Medicine, Mass General Brigham Personalized Medicine
Classification: Uncertain significance. Last evaluated: 2018-06-12. Review status: criteria provided, single submitter. Criteria: LMM Criteria. Collection method: clinical testing. Allele origin: germline. Observed: 4 variant alleles.
Comment: Variant classified as Uncertain Significance - Favor Benign. The p.Pro533Ser var iant in WFS1 has been reported in 1 individual with Wolfram Syndrome and 1 indiv idual with post-lingual mild sensorineural hearing loss, but a second variant in WFS1 was not identified in either case (Prince 2012, LMM data). This variant has also been identified in 0.12% (82/67552) of European chromosomes by the Exome Aggregation Consortium (dbSNP rs146132083), though this frequency is not high enough to ru le out a pathogenic role. Computational prediction tools and conservation analys is suggest that the Pro533Ser variant may impact the protein, though this inform ation is not predictive enough to determine pathogenicity. In summary, while the clinical significance of the p.Pro533Ser variant is uncertain, its frequency in the general population suggests that it is more likely to be benign. ACMG/AMP c riteria applied: BS1_Supporting.

Illumina Laboratory Services, Illumina
Classification: Uncertain significance for Autosomal dominant nonsyndromic hearing loss 6. Last evaluated: 2017-04-27. Review status: criteria provided, single submitter. Criteria: ICSL Variant Classification Criteria 13 December 2019. Collection method: clinical testing. Allele origin: germline.

Illumina Laboratory Services, Illumina
Classification: Uncertain significance for WFS1-Related Spectrum Disorders. Last evaluated: 2017-04-27. Review status: criteria provided, single submitter. Criteria: ICSL Variant Classification Criteria 13 December 2019. Collection method: clinical testing. Allele origin: germline.
Comment: This variant was observed as part of a predisposition screen in an ostensibly healthy population. A literature search was performed for the gene, cDNA change, and amino acid change (where applicable). Publications were found based on this search. However, the evidence from the literature, in combination with allele frequency data from public databases where available, was not sufficient to rule this variant in or out of causing disease. Therefore, this variant is classified as a variant of unknown significance.

Clinical Genetics Service, Universitary Hospital 12 de Octubre
Classification: Likely pathogenic for Wolfram syndrome 1. Review status: criteria provided, single submitter. Criteria: ACMG Guidelines, 2015. Collection method: clinical testing. Allele origin: germline. Affected: yes.

Personalized Diabetes Medicine Program, University of Maryland School of Medicine
Classification: Likely benign for Monogenic diabetes. Last evaluated: 2018-01-12. Review status: flagged submission. Criteria: ACMG Guidelines, 2015. Collection method: research. Allele origin: unknown. Observed: 3 variant alleles, 3 heterozygotes. Not counted in ClinVar's aggregate classification.
Comment: ACMG criteria: PP3 (10 predictors), BS2 ( 8 controls and 5 cases in T2DM), BP6 (GeneDx says benign), NOTE: Emory and Partners call it VUS, (previously reported in patient with optic atrophy, hearing loss, neurogenic bladder, but no diabetes), PMID 28432734)=likely benign
ClinVar note: Reason: Outlier claim with insufficient supporting evidence

Literature cited by the submitters: PubMed 24875298 (cited by Ambry Genetics and Laboratory for Molecular Medicine, Mass General Brigham Personalized Medicine); PubMed 28518168 (cited by Ambry Genetics); PubMed 30180840 (cited by Ambry Genetics); PubMed 31765440 (cited by Ambry Genetics); PubMed 32461654 (cited by Ambry Genetics); PubMed 35469785 (cited by Ambry Genetics and Wales Gene Park, Division Of Cancer and Genetics, Cardiff University); PubMed 35472603 (cited by Ambry Genetics); PubMed 28432734 (cited by 3 submitters); PubMed 31264968 (cited by Women's Health and Genetics/Laboratory Corporation of America, LabCorp and Institute of Human Genetics, Univ. Regensburg, Univ. Regensburg); PubMed 33841295 (cited by Women's Health and Genetics/Laboratory Corporation of America, LabCorp and Institute of Human Genetics, Univ. Regensburg, Univ. Regensburg); PubMed 26875006 (cited by Women's Health and Genetics/Laboratory Corporation of America, LabCorp and Institute of Human Genetics, Univ. Regensburg, Univ. Regensburg); PubMed 39462066 (cited by Women's Health and Genetics/Laboratory Corporation of America, LabCorp); PubMed 11920861 (cited by 3 submitters).